The following is an entry in ClinVar:

ClinVar aggregate classification (germline): Benign/Likely benign. Review status: criteria provided, multiple submitters, no conflicts (2 of 4 stars). 5 submissions from 5 submitters: Benign (1); Likely benign (3). 1 of the submissions does not count toward it. Last evaluated 2025-05-22.

Conditions:
Hereditary cancer-predisposing syndrome. Also called: Hereditary Cancer Syndrome; Tumor predisposition; Neoplastic Syndromes, Hereditary; Hereditary neoplastic syndrome. Identifiers: Orphanet 140162, MedGen C0027672, MeSH D009386, MONDO:0015356.
Tuberous sclerosis syndrome (TSC). Also called: Tuberous Sclerosis Complex; Tuberous sclerosis. Identifiers: Orphanet 805, MedGen C0041341, MONDO:0001734.
Tuberous sclerosis 2 (TSC2). Identifiers: Orphanet 805, MedGen C1860707, MONDO:0013199, OMIM 613254.

Submissions (5):

Myriad Genetics, Inc.
Classification: Benign for Tuberous sclerosis 2. Last evaluated: 2025-05-22. Review status: criteria provided, single submitter. Criteria: Myriad Autosomal Dominant, Autosomal Recessive and X-Linked Classification Criteria (2023). Collection method: clinical testing. Allele origin: unknown.
Comment: This variant is considered benign. This variant is a silent/synonymous amino acid change and it is not expected to impact splicing.

CeGaT Center for Human Genetics Tuebingen
Classification: Likely benign. Last evaluated: 2025-05-01. Review status: criteria provided, single submitter. Criteria: CeGaT Center For Human Genetics Tuebingen Variant Classification Criteria Version 2. Collection method: clinical testing. Allele origin: germline. Affected: yes. Observed: 1 variant allele.
Comment: TSC2: PM2:Supporting, BP4, BP7

Labcorp Genetics (formerly Invitae), Labcorp
Classification: Likely benign for Tuberous sclerosis 2. Last evaluated: 2025-04-17. Review status: criteria provided, single submitter. Criteria: Invitae Variant Classification Sherloc (09022015). Collection method: clinical testing. Allele origin: germline.

Ambry Genetics
Classification: Likely benign for Hereditary cancer-predisposing syndrome. Last evaluated: 2021-09-21. Review status: criteria provided, single submitter. Criteria: Ambry Variant Classification Scheme 2023. Collection method: clinical testing. Allele origin: germline.

Tuberous sclerosis database (TSC2)
No classification provided. Condition: TSC. Review status: no classification provided. Criteria: Tuberous Sclerosis Database Assertion Criteria 2015. Collection method: curation. Allele origin: germline. Affected: yes. Not counted in ClinVar's aggregate classification.

NM_000548.5(TSC2):c.2746C>T (p.Leu916=)

Gene: TSC2 (TSC complex subunit 2; plus strand). Cytogenetic location: 16p13.3.
Variant type: single nucleotide variant.
Coding change: c.2746C>T on transcript NM_000548.5 (MANE Select); coding-DNA position 2746, C replaced by T.
Protein change: p.Leu916=; no amino-acid change (leucine 916 retained).
Molecular consequence: synonymous variant.
Genome position (GRCh38, 1-based): chr16:2,076,494, C>T. VCF-style: chr16-2076494-C-T. GRCh37 (hg19) VCF-style: chr16-2126495-C-T.
Other names: c.2746C>T, p.Leu916= (NM_001077183.3, NM_001114382.3, NM_001363528.2 and 3 more transcripts); c.2635C>T, p.Leu879= (NM_001318827.2); c.2599C>T, p.Leu867= (NM_001318829.2); c.2146C>T, p.Leu716= (NM_001318831.2); c.2779C>T, p.Leu927= (NM_001318832.2).
Identifiers: ClinVar variation 49230 (VCV000049230.24), dbSNP rs137854274, ClinGen allele CA018071.